The following is an entry in ClinVar:

NM_007118.4(TRIO):c.7549G>A (p.Ala2517Thr)

Gene: TRIO (trio Rho guanine nucleotide exchange factor; plus strand). Cytogenetic location: 5p15.2.
Variant type: single nucleotide variant.
Coding change: c.7549G>A on transcript NM_007118.4 (MANE Select); coding-DNA position 7549, G replaced by A.
Protein change: p.Ala2517Thr; replaces alanine 2517 with threonine.
Molecular consequence: missense variant.
Genome position (GRCh38, 1-based): chr5:14,488,177, G>A. VCF-style: chr5-14488177-G-A. GRCh37 (hg19) VCF-style: chr5-14488286-G-A.
Other names: c.7549G>A (NM_007118.3); short protein forms A2517T.
Identifiers: ClinVar variation 1213591 (VCV001213591.5), dbSNP rs747483418, ClinGen allele CA3207471.
Genomic context (GRCh38, chr5:14,488,177, plus strand): 5'-CCCGGCTCCTTCACCTTCCCGGGGGACAGCGACTCCCTCCAGCGGCAGACACCCCGCCAC[G>A]CGGCCCCTGGCAAGGATACTGACCGCATGAGCACGTGCTCCTCGGCCAGCGAGCAGTCCG-3'
Protein context (NP_009049.2, residues 2507-2527): DSLQRQTPRH[Ala2517Thr]APGKDTDRMS

ClinVar aggregate classification (germline): Likely benign. Review status: criteria provided, single submitter (1 of 4 stars). 2 submissions from 2 submitters: Likely benign (1). 1 of the submissions does not count toward it. Last evaluated 2020-12-23.

Conditions:
TRIO-related disorder. Also called: TRIO-related disorders; TRIO-related condition.

Allele frequency attached by ClinVar (database versions not stated): gnomAD 0.00012 and 0.00014; gnomAD exomes 0.00013 and 0.00023; TOPMed 0.00016; ExAC 0.00019.
gnomAD v4.1: 208 of 1,601,268 alleles (0.013%); highest among the groups gnomAD compares: Non-Finnish European, 0.0029%; no homozygotes.

Submissions (2):

GeneDx
Classification: Likely benign. Last evaluated: 2020-12-23. Review status: criteria provided, single submitter. Criteria: GeneDx Variant Classification Process June 2021. Collection method: clinical testing. Allele origin: germline. Affected: yes.

PreventionGenetics, part of Exact Sciences
Classification: Benign for TRIO-related condition. Last evaluated: 2022-05-09. Review status: no assertion criteria provided. Collection method: clinical testing. Allele origin: germline. Not counted in ClinVar's aggregate classification.
Comment: This variant is classified as benign based on ACMG/AMP sequence variant interpretation guidelines (Richards et al. 2015 PMID: 25741868, with internal and published modifications).